The following is an entry in ClinVar:

ClinVar aggregate classification (germline): Uncertain significance. Review status: criteria provided, multiple submitters, no conflicts (2 of 4 stars). 2 submissions from 2 submitters: Uncertain significance (2). Last evaluated 2025-01-06.

Conditions:
Inborn genetic diseases. Identifiers: MedGen C0950123, MeSH D030342.

Allele frequency attached by ClinVar (database versions not stated): gnomAD 0.00009; TOPMed 0.00012.

Submissions (2):

Labcorp Genetics (formerly Invitae), Labcorp
Classification: Uncertain significance. Last evaluated: 2025-01-06. Review status: criteria provided, single submitter. Criteria: Invitae Variant Classification Sherloc (09022015). Collection method: clinical testing. Allele origin: germline.
Comment: This sequence change replaces methionine, which is neutral and non-polar, with threonine, which is neutral and polar, at codon 126 of the SPINT2 protein (p.Met126Thr). This variant is present in population databases (no rsID available, gnomAD 0.02%). This variant has not been reported in the literature in individuals affected with SPINT2-related conditions. ClinVar contains an entry for this variant (Variation ID: 1395752). Invitae Evidence Modeling of protein sequence and biophysical properties (such as structural, functional, and spatial information, amino acid conservation, physicochemical variation, residue mobility, and thermodynamic stability) indicates that this missense variant is not expected to disrupt SPINT2 protein function with a negative predictive value of 80%. In summary, the available evidence is currently insufficient to determine the role of this variant in disease. Therefore, it has been classified as a Variant of Uncertain Significance.

Ambry Genetics
Classification: Uncertain significance for Inborn genetic diseases. Last evaluated: 2024-04-19. Review status: criteria provided, single submitter. Criteria: Ambry Variant Classification Scheme 2023. Collection method: clinical testing. Allele origin: germline.

NM_021102.4(SPINT2):c.377T>C (p.Met126Thr)

Gene: SPINT2 (serine peptidase inhibitor, Kunitz type 2; plus strand). Cytogenetic location: 19q13.2.
Variant type: single nucleotide variant.
Coding change: c.377T>C on transcript NM_021102.4 (MANE Select); coding-DNA position 377, T replaced by C.
Protein change: p.Met126Thr; replaces methionine 126 with threonine.
Molecular consequence: missense variant.
Genome position (GRCh38, 1-based): chr19:38,289,177, T>C. VCF-style: chr19-38289177-T-C. GRCh37 (hg19) VCF-style: chr19-38779817-T-C.
Other names: c.206T>C, p.Met69Thr (NM_001166103.2); c.377T>C (NM_021102.3); short protein forms M69T, M126T.
Identifiers: ClinVar variation 1395752 (VCV001395752.8), dbSNP rs567336942, ClinGen allele CA308081380.